The following is an entry in ClinVar:

NM_004304.5(ALK):c.805G>T (p.Asp269Tyr)

Gene: ALK (ALK receptor tyrosine kinase; minus strand). Cytogenetic location: 2p23.2.
Variant type: single nucleotide variant.
Coding change: c.805G>T on transcript NM_004304.5 (MANE Select); coding-DNA position 805, G replaced by T.
Protein change: p.Asp269Tyr; replaces aspartic acid 269 with tyrosine.
Molecular consequence: missense variant.
Genome position (GRCh38, 1-based): chr2:29,694,997, C>A on the plus strand (G>T on the coding strand, the complement: ALK is on the minus strand). VCF-style: chr2-29694997-C-A. GRCh37 (hg19) VCF-style: chr2-29917863-C-A.
Other names: short protein forms D269Y.
Identifiers: ClinVar variation 3853571 (VCV003853571.2).

ClinVar aggregate classification (germline): Uncertain significance. Review status: criteria provided, multiple submitters, no conflicts (2 of 4 stars). 2 submissions from 2 submitters: Uncertain significance (2). Last evaluated 2026-10-01.

Conditions:
Hereditary cancer-predisposing syndrome. Also called: Hereditary Cancer Syndrome; Neoplastic Syndromes, Hereditary; Tumor predisposition; Hereditary neoplastic syndrome. Identifiers: Orphanet 140162, MedGen C0027672, MeSH D009386, MONDO:0015356.
Neuroblastoma, susceptibility to, 3. Also called: ALK-Related Neuroblastic Tumor Susceptibility. Identifiers: Orphanet 635, MedGen C2751681, MONDO:0013083, OMIM 613014.

Submissions (2):

St. Jude Molecular Pathology, St. Jude Children's Research Hospital
Classification: Uncertain significance for Neuroblastoma, susceptibility to, 3. Last evaluated: 2026-10-01. Review status: criteria provided, single submitter. Criteria: St. Jude Assertion Criteria 2020. Collection method: clinical testing. Allele origin: germline.
Comment: The ALK c.805G>T p.(Asp269Tyr) missense change is absent in gnomAD v2.1.1. The in silico tool REVEL predicts a benign effect on protein function, but to our knowledge this prediction has not be en confirmed by functional studies. To our knowledge, this variant has not been reported in individuals with ALK-related neuroblastic tumor susceptibility. In summary, the evidence currently available is insufficient to determine the clinical significanc e of this variant. It has therefore been classified as of uncertain significance.

Ambry Genetics
Classification: Uncertain significance for Hereditary cancer-predisposing syndrome. Last evaluated: 2025-02-16. Review status: criteria provided, single submitter. Criteria: Ambry Variant Classification Scheme 2023. Collection method: clinical testing. Allele origin: germline.
Comment: The p.D269Y variant (also known as c.805G>T), located in coding exon 3 of the ALK gene, results from a G to T substitution at nucleotide position 805. The aspartic acid at codon 269 is replaced by tyrosine, an amino acid with highly dissimilar properties. This amino acid position is conserved. In addition, the in silico prediction for this alteration is inconclusive. Based on the available evidence, the clinical significance of this variant remains unclear.